The following is an entry in ClinVar:

NM_001110556.2(FLNA):c.4122C>G (p.Asn1374Lys)

Gene: FLNA (filamin A; minus strand). Cytogenetic location: Xq28.
Variant type: single nucleotide variant.
Coding change: c.4122C>G on transcript NM_001110556.2 (MANE Select); coding-DNA position 4122, C replaced by G.
Protein change: p.Asn1374Lys; replaces asparagine 1374 with lysine.
Molecular consequence: missense variant.
Genome position (GRCh38, 1-based): chrX:154,359,504, G>C on the plus strand (C>G on the coding strand, the complement: FLNA is on the minus strand). VCF-style: chrX-154359504-G-C. GRCh37 (hg19) VCF-style: chrX-153587872-G-C.
Other names: p.Asn1374Lys; c.4122C>G, p.Asn1374Lys (NM_001456.4); short protein forms N1374K.
Identifiers: ClinVar variation 1310527 (VCV001310527.5), dbSNP rs2148111433, ClinGen allele CA415219385.

ClinVar aggregate classification (germline): Uncertain significance. Review status: criteria provided, multiple submitters, no conflicts (2 of 4 stars). 3 submissions from 3 submitters: Uncertain significance (3). Last evaluated 2026-01-14.

Conditions:
Melnick-Needles syndrome (MNS). Also called: MELNICK-NEEDLES OSTEODYSPLASTY; OSTEODYSPLASTY OF MELNICK AND NEEDLES; Melnick-Needles Syndrome (FLNA-MNS). Identifiers: Orphanet 2484, MedGen C0025237, MONDO:0010650, OMIM 309350.
Frontometaphyseal dysplasia (FMD1). Identifiers: MONDO:0015942, Orphanet 1826, MedGen C0265293.
Oto-palato-digital syndrome, type II (OPD2). Also called: Otopalatodigital Syndrome, Type II; FACIOPALATOOSSEOUS SYNDROME; OPD II SYNDROME; Otopalatodigital Syndrome Type 2 (FLNA-OPD2). Identifiers: Orphanet 669, Orphanet 90652, MedGen C1844696, MONDO:0010571, OMIM 304120.
Heterotopia, periventricular, X-linked dominant (PVNH1). Also called: X-linked periventricular heterotopia; PERIVENTRICULAR NODULAR HETEROTOPIA 4; HETEROTOPIA, PERIVENTRICULAR, 1; PERIVENTRICULAR NODULAR HETEROTOPIA 1. Identifiers: Orphanet 2149, Orphanet 82004, MedGen C1848213, MONDO:0010233, OMIM 300049.

Submissions (3):

Labcorp Genetics (formerly Invitae), Labcorp
Classification: Uncertain significance for Oto-palato-digital syndrome, type II; Heterotopia, periventricular, X-linked dominant; Frontometaphyseal dysplasia; Melnick-Needles syndrome. Last evaluated: 2026-01-14. Review status: criteria provided, single submitter. Criteria: Invitae Variant Classification Sherloc (09022015). Collection method: clinical testing. Allele origin: germline.
Comment: This sequence change replaces asparagine, which is neutral and polar, with lysine, which is basic and polar, at codon 1374 of the FLNA protein (p.Asn1374Lys). This variant is not present in population databases (gnomAD no frequency). This variant has not been reported in the literature in individuals affected with FLNA-related conditions. ClinVar contains an entry for this variant (Variation ID: 1310527). Invitae Evidence Modeling of protein sequence and biophysical properties (such as structural, functional, and spatial information, amino acid conservation, physicochemical variation, residue mobility, and thermodynamic stability) indicates that this missense variant is not expected to disrupt FLNA protein function with a negative predictive value of 95%. In summary, the available evidence is currently insufficient to determine the role of this variant in disease. Therefore, it has been classified as a Variant of Uncertain Significance.

GeneDx
Classification: Uncertain significance. Last evaluated: 2023-07-07. Review status: criteria provided, single submitter. Criteria: GeneDx Variant Classification Process June 2021. Collection method: clinical testing. Allele origin: germline. Affected: yes.
Comment: Has not been previously published as pathogenic or benign to our knowledge; Not observed at significant frequency in large population cohorts (gnomAD); In silico analysis supports that this missense variant has a deleterious effect on protein structure/function

Mayo Clinic Laboratories, Mayo Clinic
Classification: Uncertain significance. Last evaluated: 2023-05-23. Review status: criteria provided, single submitter. Criteria: ACMG Guidelines, 2015. Collection method: clinical testing. Allele origin: germline. Observed: 1 variant allele.
Comment: PP2, PM2_supporting